The following is an entry in ClinVar:

ClinVar aggregate classification (germline): Pathogenic. Review status: criteria provided, multiple submitters, no conflicts (2 of 4 stars). 3 submissions from 3 submitters: Pathogenic (3). Last evaluated 2026-04-02.

Conditions:
Hereditary cancer-predisposing syndrome. Also called: Tumor predisposition; Hereditary neoplastic syndrome; Neoplastic Syndromes, Hereditary; Hereditary Cancer Syndrome. Identifiers: Orphanet 140162, MedGen C0027672, MeSH D009386, MONDO:0015356.
Familial adenomatous polyposis 1 (FAP1). Also called: POLYPOSIS, ADENOMATOUS INTESTINAL; FAMILIAL ADENOMATOUS POLYPOSIS 1, ATTENUATED. Identifiers: MedGen C2713442, MONDO:0021056, OMIM 175100. Disease mechanism: loss of function.

Submissions (3):

Ambry Genetics
Classification: Pathogenic for Hereditary cancer-predisposing syndrome. Last evaluated: 2026-04-02. Review status: criteria provided, single submitter. Criteria: Ambry Variant Classification Scheme 2023. Collection method: clinical testing. Allele origin: germline.
Comment: The c.7692dupG pathogenic mutation, located in coding exon 15 of the APC gene, results from a duplication of G at nucleotide position 7692, causing a translational frameshift with a predicted alternate stop codon (p.R2565Efs*18). This variant occurs at the 3' terminus of the gene, is not expected to trigger nonsense-mediated mRNA decay, and impacts the last 10% of the protein. However, premature stop codons are typically deleterious in nature and a significant portion of the protein is affected and the impacted region is critical for protein function (Ambry internal data).This variant was reported in individual(s) with features consistent with APC-related familial adenomatous polyposis (Ambry internal data). This variant is considered to be rare based on population cohorts in the Genome Aggregation Database (gnomAD). Based on the supporting evidence, this variant is interpreted as a disease-causing mutation.

Myriad Genetics, Inc.
Classification: Pathogenic for Familial adenomatous polyposis 1. Last evaluated: 2023-05-16. Review status: criteria provided, single submitter. Criteria: Myriad Autosomal Dominant, Autosomal Recessive and X-Linked Classification Criteria (2023). Collection method: clinical testing. Allele origin: unknown.
Comment: This variant is considered pathogenic. This variant creates a frameshift predicted to result in premature protein truncation.

Labcorp Genetics (formerly Invitae), Labcorp
Classification: Pathogenic for Familial adenomatous polyposis 1. Last evaluated: 2020-08-30. Review status: criteria provided, single submitter. Criteria: Invitae Variant Classification Sherloc (09022015). Collection method: clinical testing. Allele origin: germline.
Comment: This sequence change results in a premature translational stop signal in the APC gene (p.Arg2565Glufs*18). While this is not anticipated to result in nonsense mediated decay, it is expected to disrupt the last 279 amino acids of the APC protein. For these reasons, this variant has been classified as Pathogenic. This variant disrupts the C-terminus of the APC protein. Other variant(s) that disrupt this region (p.Tyr2645Lysfs*14) have been determined to be pathogenic (PMID: 9824584, 1316610, 27081525, 8381579, 22135120, Invitae). This suggests that variants that disrupt this region of the protein are likely to be causative of disease. This variant is expected to disrupt the EB1 and HDLG binding sites, which mediate interactions with the cytoskeleton (PMID: 15311282, 17293347). While functional studies have not been performed to directly test the effect on APC protein function, this suggests that disruption of the C-terminal portion of the protein is functionally important. This variant has not been reported in the literature in individuals with APC-related disease. ClinVar contains an entry for this variant (Variation ID: 487047). This variant is not present in population databases (ExAC no frequency).

Literature cited by the submitters: PubMed 9824584 (cited by Labcorp Genetics (formerly Invitae), Labcorp); PubMed 1316610 (cited by Labcorp Genetics (formerly Invitae), Labcorp); PubMed 27081525 (cited by Labcorp Genetics (formerly Invitae), Labcorp); PubMed 8381579 (cited by Labcorp Genetics (formerly Invitae), Labcorp); PubMed 22135120 (cited by Labcorp Genetics (formerly Invitae), Labcorp); PubMed 15311282 (cited by Labcorp Genetics (formerly Invitae), Labcorp); PubMed 17293347 (cited by Labcorp Genetics (formerly Invitae), Labcorp).

NM_000038.6(APC):c.7692dup (p.Arg2565fs)

Gene: APC (APC regulator of Wnt signaling pathway; plus strand). Cytogenetic location: 5q22.2.
Variant type: Duplication.
Coding change: c.7692dup on transcript NM_000038.6 (MANE Select); coding-DNA position 7692, one base duplicated (G; older notation c.7692dupG).
Protein change: p.Arg2565fs; shifts the reading frame from arginine 2565.
Molecular consequence: frameshift variant.
Genome position (GRCh38, 1-based): chr5:112,843,286, G duplicated; the last of 2 consecutive G bases (chr5:112,843,285-112,843,286); duplicating either gives the same sequence. VCF-style (leftmost placement, unchanged base first): chr5-112843284-T-TG. GRCh37 (hg19) VCF-style: chr5-112178981-T-TG.
Other names: c.7692dupG (NM_000038.5); c.7692dup, p.Arg2565fs (NM_001127510.3, NM_001354895.2); c.7638dup, p.Arg2547fs (NM_001127511.3); c.7746dup, p.Arg2583fs (NM_001354896.2); c.7722dup, p.Arg2575fs (NM_001354897.2); c.7617dup, p.Arg2540fs (NM_001354898.2); c.7608dup, p.Arg2537fs (NM_001354899.2); c.7569dup, p.Arg2524fs (NM_001354900.2); and 6 more; short protein forms R2405fs, R2439fs, R2537fs, R2547fs, R2464fs, R2524fs, R2565fs, R2575fs.
Identifiers: ClinVar variation 487047 (VCV000487047.17), dbSNP rs1554088600, ClinGen allele CA658657463.